The following is an entry in ClinVar:

NM_001278064.2(GRM1):c.136A>G (p.Ile46Val)

Gene: GRM1 (glutamate metabotropic receptor 1; plus strand). Cytogenetic location: 6q24.3.
Variant type: single nucleotide variant.
Coding change: c.136A>G on transcript NM_001278064.2 (MANE Select); coding-DNA position 136, A replaced by G.
Protein change: p.Ile46Val; replaces isoleucine 46 with valine.
Molecular consequence: missense variant.
Genome position (GRCh38, 1-based): chr6:146,029,653, A>G. VCF-style: chr6-146029653-A-G. GRCh37 (hg19) VCF-style: chr6-146350789-A-G.
Other names: p.Ile46Val; c.136A>G, p.Ile46Val (NM_001278065.2, NM_001278066.1, NM_001278067.1); short protein forms I46V.
Identifiers: ClinVar variation 4541233 (VCV004541233.1).

ClinVar aggregate classification (germline): Uncertain significance (1 of 4 stars; one submission).

Submission:

Mayo Clinic Laboratories, Mayo Clinic
Classification: Uncertain significance. Last evaluated: 2025-08-08. Review status: criteria provided, single submitter. Criteria: ACMG Guidelines, 2015. Collection method: clinical testing. Allele origin: germline. Observed: 1 variant allele.
Comment: BP4_moderate, PM2_supporting